The following is an entry in ClinVar:

ClinVar aggregate classification (germline): Uncertain significance (1 of 4 stars; one submission).

Conditions:
Peroxisome biogenesis disorder, complementation group 7 (CG7). Also called: Peroxisome biogenesis disorder, complementation group B. Identifiers: MedGen C1864399.

Submission:

Labcorp Genetics (formerly Invitae), Labcorp
Classification: Uncertain significance for Peroxisome biogenesis disorder, complementation group 7. Last evaluated: 2020-09-03. Review status: criteria provided, single submitter. Criteria: Invitae Variant Classification Sherloc (09022015). Collection method: clinical testing. Allele origin: germline.
Comment: In summary, the available evidence is currently insufficient to determine the role of this variant in disease. Therefore, it has been classified as a Variant of Uncertain Significance. Algorithms developed to predict the effect of missense changes on protein structure and function (SIFT, PolyPhen-2, Align-GVGD) all suggest that this variant is likely to be tolerated, but these predictions have not been confirmed by published functional studies and their clinical significance is uncertain. This variant has not been reported in the literature in individuals with PEX10-related conditions. The frequency data for this variant in the population databases is considered unreliable, as metrics indicate insufficient coverage at this position in the ExAC database. This sequence change replaces serine with arginine at codon 35 of the PEX10 protein (p.Ser35Arg). The serine residue is moderately conserved and there is a moderate physicochemical difference between serine and arginine.

NM_002617.4(PEX10):c.105C>G (p.Ser35Arg)

Gene: PEX10 (peroxisomal biogenesis factor 10; minus strand). Cytogenetic location: 1p36.32.
Variant type: single nucleotide variant.
Coding change: c.105C>G on transcript NM_002617.4 (MANE Select); coding-DNA position 105, C replaced by G.
Protein change: p.Ser35Arg; replaces serine 35 with arginine.
Molecular consequence: missense variant. On other transcripts: intron variant (2).
Genome position (GRCh38, 1-based): chr1:2,412,398, G>C on the plus strand (C>G on the coding strand, the complement: PEX10 is on the minus strand). VCF-style: chr1-2412398-G-C. GRCh37 (hg19) VCF-style: chr1-2343837-G-C.
Other names: c.105C>G, p.Ser35Arg (NM_001374425.1, NM_153818.2); c.-321+1199C>G (NM_001374427.1, NM_001374426.1); short protein forms S35R.
Identifiers: ClinVar variation 1008403 (VCV001008403.3), dbSNP rs1339846247, ClinGen allele CA337990361.